The following is an entry in ClinVar:

ClinVar aggregate classification (germline): Pathogenic (1 of 4 stars; one submission).

Conditions:
Lynch syndrome 5 (LYNCH5). Also called: Hereditary non-polyposis colorectal cancer, type 5; Colorectal cancer, hereditary nonpolyposis, type 5. Identifiers: Orphanet 144, MedGen C1833477, MONDO:0013710, OMIM 614350. Disease mechanism: loss of function.

Submission:

Myriad Genetics, Inc.
Classification: Pathogenic for Lynch syndrome 5. Last evaluated: 2024-07-18. Review status: criteria provided, single submitter. Criteria: Myriad Autosomal Dominant, Autosomal Recessive and X-Linked Classification Criteria (2023). Collection method: clinical testing. Allele origin: unknown.
Comment: This variant is considered pathogenic. This variant creates a frameshift predicted to result in premature protein truncation.

NM_000179.3(MSH6):c.3410_3414delinsACT (p.Met1137fs)

Gene: MSH6 (mutS homolog 6; plus strand). Cytogenetic location: 2p16.3.
Variant type: Indel.
Coding change: c.3410_3414delinsACT on transcript NM_000179.3 (MANE Select); coding-DNA positions 3410 to 3414, TGGGG replaced by ACT.
Protein change: p.Met1137fs; shifts the reading frame from methionine 1137.
Molecular consequence: frameshift variant. On other transcripts: non-coding transcript variant (5).
Genome position (GRCh38, 1-based): chr2:47,803,657-47,803,661, TGGGG replaced by ACT. VCF-style: chr2-47803657-TGGGG-ACT. GRCh37 (hg19) VCF-style: chr2-48030796-TGGGG-ACT.
Other names: c.3020_3024delinsACT, p.Met1007fs (NM_001281492.2); c.2504_2508delinsACT, p.Met835fs (NM_001281493.2, NM_001281494.2, NM_001406811.1 and 6 more transcripts); c.3506_3510delinsACT, p.Met1169fs (NM_001406795.1, NM_001406802.1); c.3410_3414delinsACT, p.Met1137fs (NM_001406796.1, NM_001406800.1, NM_001406808.1 and 1 more transcripts); c.3113_3117delinsACT, p.Met1038fs (NM_001406797.1, NM_001406801.1, NM_001406805.1 and 10 more transcripts); c.3236_3240delinsACT, p.Met1079fs (NM_001406798.1); c.2885_2889delinsACT, p.Met962fs (NM_001406799.1, NM_001406806.1, NM_001406807.1); c.2546_2550delinsACT, p.Met849fs (NM_001406803.1); and 7 more; short protein forms M1007fs, M1038fs, M1079fs, M1081fs, M1111fs, M1137fs, M1139fs, M1169fs.
Identifiers: ClinVar variation 3379248 (VCV003379248.1).